The following is an entry in ClinVar:

ClinVar aggregate classification (germline): Conflicting classifications of pathogenicity. Review status: criteria provided, conflicting classifications (1 of 4 stars). 2 submissions from 2 submitters: Uncertain significance (1); Likely benign (1). Last evaluated 2024-05-01.

Conditions:
Hereditary attention deficit-hyperactivity disorder. Also called: HYPERACTIVITY OF CHILDHOOD. Identifiers: MedGen CN324066, MONDO:0100518, OMIM 143465.

Submissions (2):

CeGaT Center for Human Genetics Tuebingen
Classification: Likely benign. Last evaluated: 2024-05-01. Review status: criteria provided, single submitter. Criteria: CeGaT Center For Human Genetics Tuebingen Variant Classification Criteria Version 2. Collection method: clinical testing. Allele origin: germline. Affected: yes. Observed: 1 variant allele.
Comment: DRD4: BP4, BP7

Clinical Genomics, Uppaluri K&H Personalized Medicine Clinic
Classification: Uncertain significance for Hereditary attention deficit-hyperactivity disorder. Review status: criteria provided, single submitter. Criteria: K &amp; H Uppaluri Personalized Medicine Clinic Variant Classification &amp; Assertion Criteria_Updated V.1. Collection method: clinical testing. Allele origin: germline. Inheritance: Autosomal dominant inheritance. Affected: yes. Observed: 1 heterozygote.
Comment: Potent mutations in Dopamine receptor uptake gene leads to decreased brain uptake of neuromodulator dopamine and are strongly associated with onset of Attention deficit hyperactivity disorder. However more evidence is required to confer the association of this particular rs866686536 with Attention deficit hyperactivity disorder.

Literature cited by the submitters: PubMed 20644990 (cited by Clinical Genomics, Uppaluri K&H Personalized Medicine Clinic); PubMed 36211978 (cited by Clinical Genomics, Uppaluri K&H Personalized Medicine Clinic); PubMed 10654656 (cited by Clinical Genomics, Uppaluri K&H Personalized Medicine Clinic); PubMed 30099719 (cited by Clinical Genomics, Uppaluri K&H Personalized Medicine Clinic); PubMed 25262643 (cited by Clinical Genomics, Uppaluri K&H Personalized Medicine Clinic); PubMed 29781347 (cited by Clinical Genomics, Uppaluri K&H Personalized Medicine Clinic).

NM_000797.4(DRD4):c.807T>C (p.Leu269=)

Gene: DRD4 (dopamine receptor D4; plus strand). Cytogenetic location: 11p15.5.
Variant type: single nucleotide variant.
Coding change: c.807T>C on transcript NM_000797.4 (MANE Select); coding-DNA position 807, T replaced by C.
Protein change: p.Leu269=; no amino-acid change (leucine 269 retained).
Molecular consequence: synonymous variant.
Genome position (GRCh38, 1-based): chr11:640,056, T>C. VCF-style: chr11-640056-T-C. GRCh37 (hg19) VCF-style: chr11-640056-T-C.
Identifiers: ClinVar variation 2507412 (VCV002507412.20), dbSNP rs866686536, ClinGen allele CA216943541.
Genomic context (GRCh38, chr11:640,056, plus strand): 5'-CGCGCCCCGCCTCCCCCAGGACCCCTGCGGCCCCGACTGTGCGCCCCCCGCGCCCGGCCT[T>C]CCCCGGGGTCCCTGCGGCCCCGACTGTGCGCCCGCCGCGCCCAGCCTCCCCCAGGACCCC-3'
Protein context (NP_000788.2, residues 259-279): GPDCAPPAPG[Leu269=]PRGPCGPDCA